The following is an entry in ClinVar:

ClinVar aggregate classification (germline): Uncertain significance (1 of 4 stars; one submission).

Conditions:
Rhabdoid tumor predisposition syndrome 2 (RTPS2). Identifiers: Orphanet 231108, Orphanet 69077, MedGen C2750074, MONDO:0013224, OMIM 613325.

Submission:

Labcorp Genetics (formerly Invitae), Labcorp
Classification: Uncertain significance for Rhabdoid tumor predisposition syndrome 2. Last evaluated: 2024-07-03. Review status: criteria provided, single submitter. Criteria: Invitae Variant Classification Sherloc (09022015). Collection method: clinical testing. Allele origin: germline.
Comment: This sequence change falls in intron 30 of the SMARCA4 gene. It does not directly change the encoded amino acid sequence of the SMARCA4 protein. Information on the frequency of this variant in the gnomAD database is not available, as this variant may be reported differently in the database. This variant has not been reported in the literature in individuals affected with SMARCA4-related conditions. Experimental studies and prediction algorithms are not available or were not evaluated, and the effect of this variant on mRNA splicing is currently unknown. In summary, the available evidence is currently insufficient to determine the role of this variant in disease. Therefore, it has been classified as a Variant of Uncertain Significance.

NM_003072.5(SMARCA4):c.4171-1734_4171-1733delinsGC

Gene: SMARCA4 (SWI/SNF related BAF chromatin remodeling complex subunit ATPase 4; plus strand). Cytogenetic location: 19p13.2.
Variant type: Indel.
Coding change: c.4171-1734_4171-1733delinsGC on transcript NM_003072.5 (MANE Select); 1734 bases into the intron before coding-DNA position 4171 through 1733 bases into the intron before coding-DNA position 4171, TG replaced by GC.
Molecular consequence: intron variant.
Genome position (GRCh38, 1-based): chr19:11,039,573-11,039,574, TG replaced by GC. VCF-style: chr19-11039573-TG-GC. GRCh37 (hg19) VCF-style: chr19-11150249-TG-GC.
Other names: c.4171-1734_4171-1733delinsGC (NM_001128844.3); c.4266+20_4266+21delinsGC (NM_001128849.3, NM_001387283.1); c.4072-1734_4072-1733delinsGC (NM_001128847.4, NM_001374457.1, NM_001128848.2); c.4167+20_4167+21delinsGC (NM_001411150.1); c.4072-1725_4072-1724delinsGC (NM_001128845.2, NM_001128846.2).
Identifiers: ClinVar variation 3658576 (VCV003658576.2).